The following is an entry in ClinVar:

ClinVar aggregate classification (germline): Conflicting classifications of pathogenicity. Review status: no assertion criteria provided (0 of 4 stars). 2 submissions from 2 submitters: Uncertain significance (1); conflicting data from submitters (1). Last evaluated 2011-10-10.

Submissions (2):

ISCA site 1
Classification: conflicting data from submitters. Last evaluated: 2011-10-10. Review status: no assertion criteria provided. Collection method: clinical testing. Allele origin: paternal, maternal. Affected: yes. Observed: 3 variant alleles. Clinical features observed: Developmental delay AND/OR other significant developmental or morphological phenotypes, Hemihypertrophy (HP:0001528), Abnormal heart morphology (HP:0001627), Semilobar holoprosencephaly (HP:0002507), Scoliosis (HP:0002650).
Comment: Uncertain significance(2), Likely benign (1)

Copy number variation identified through the course of routine clinical cytogenomic testing in postnatal populations, with clinical assertions as classified by the original submitter. For data from the original published study, Kaminsky, et al. 2011 (PubMed 21844811), please see nstd101.

ISCA site 4
Classification: Uncertain significance. Last evaluated: 2010-02-28. Review status: no assertion criteria provided. Collection method: clinical testing. Allele origin: unknown. Affected: yes. Observed: 1 variant allele.

GRCh38/hg38 7q21.13(chr7:88563550-90170632)x3

Genes: STEAP1 (STEAP family member 1; plus strand), STEAP2-AS1 (STEAP2 antisense RNA 1; minus strand), TEX47 (testis expressed 47; minus strand), ZNF804B (zinc finger protein 804B; plus strand), LOC105375387 (uncharacterized LOC105375387; plus strand) and 2 more. Cytogenetic location: 7q21.13.
Variant type: copy number gain.
Change: copy number 3 (three copies instead of two) of chr7:88,563,550-90,170,632 (1.61 Mb, GRCh38 coordinates, 1-based), cytogenetic band 7q21.13.
Identifiers: ClinVar variation 32442 (VCV000032442.4).